The following is an entry in ClinVar:

NM_153240.5(NPHP3):c.3607G>A (p.Ala1203Thr)

Genes: NPHP3 (nephrocystin 3; minus strand), NPHP3-ACAD11 (NPHP3-ACAD11 readthrough (NMD candidate); minus strand). Cytogenetic location: 3q22.1.
Variant type: single nucleotide variant.
Coding change: c.3607G>A on transcript NM_153240.5 (MANE Select); coding-DNA position 3607, G replaced by A.
Protein change: p.Ala1203Thr; replaces alanine 1203 with threonine.
Molecular consequence: missense variant. On other transcripts: non-coding transcript variant (1).
Genome position (GRCh38, 1-based): chr3:132,683,488, C>T on the plus strand (G>A on the coding strand, the complement: NPHP3 is on the minus strand). VCF-style: chr3-132683488-C-T. GRCh37 (hg19) VCF-style: chr3-132402332-C-T.
Other names: short protein forms A1203T.
Identifiers: ClinVar variation 2417880 (VCV002417880.3), dbSNP rs1939082162, ClinGen allele CA354578627.

ClinVar aggregate classification (germline): Uncertain significance (1 of 4 stars; one submission).

Conditions:
Nephronophthisis. Also called: Juvenile Nephronophthisis. Identifiers: Orphanet 655, MedGen C0687120, MONDO:0019005, HP:0000090.

Allele frequency attached by ClinVar (database versions not stated): TOPMed below 0.00001; gnomAD exomes 0.00002.
gnomAD v4.1: 13 of 1,612,930 alleles (0.00081%); highest among the groups gnomAD compares: African/African-American, 0.0013%; no homozygotes.

Submission:

Labcorp Genetics (formerly Invitae), Labcorp
Classification: Uncertain significance for Nephronophthisis. Last evaluated: 2022-08-22. Review status: criteria provided, single submitter. Criteria: Invitae Variant Classification Sherloc (09022015). Collection method: clinical testing. Allele origin: germline.
Comment: This sequence change replaces alanine, which is neutral and non-polar, with threonine, which is neutral and polar, at codon 1203 of the NPHP3 protein (p.Ala1203Thr). This variant is not present in population databases (gnomAD no frequency). This variant has not been reported in the literature in individuals affected with NPHP3-related conditions. Algorithms developed to predict the effect of missense changes on protein structure and function are either unavailable or do not agree on the potential impact of this missense change (SIFT: "Tolerated"; PolyPhen-2: "Possibly Damaging"; Align-GVGD: "Class C0"). In summary, the available evidence is currently insufficient to determine the role of this variant in disease. Therefore, it has been classified as a Variant of Uncertain Significance.